The following is an entry in ClinVar:

NM_001130438.3(SPTAN1):c.3160C>T (p.Arg1054Cys)

Gene: SPTAN1 (spectrin alpha, non-erythrocytic 1; plus strand). Cytogenetic location: 9q34.11.
Variant type: single nucleotide variant.
Coding change: c.3160C>T on transcript NM_001130438.3 (MANE Select); coding-DNA position 3160, C replaced by T.
Protein change: p.Arg1054Cys; replaces arginine 1054 with cysteine.
Molecular consequence: missense variant. On other transcripts: intron variant (2).
Genome position (GRCh38, 1-based): chr9:128,592,987, C>T. VCF-style: chr9-128592987-C-T. GRCh37 (hg19) VCF-style: chr9-131355266-C-T.
Other names: c.3160C>T, p.Arg1054Cys (NM_001363759.2, NM_003127.4); c.3156-1188C>T (NM_001363765.2, NM_001195532.2); short protein forms R1054C.
Identifiers: ClinVar variation 379908 (VCV000379908.9), dbSNP rs200872929, ClinGen allele CA16605521.

ClinVar aggregate classification (germline): Conflicting classifications of pathogenicity. Review status: criteria provided, conflicting classifications (1 of 4 stars). 3 submissions from 3 submitters: Uncertain significance (1); Likely benign (2). Last evaluated 2026-04-01.

Conditions:
Developmental and epileptic encephalopathy. Identifiers: MedGen C5779964, MONDO:0100620.

Allele frequency attached by ClinVar (database versions not stated): gnomAD 0.00001; gnomAD exomes 0.00001; TOPMed 0.00001; 1000 Genomes Project 0.00020; 1000 Genomes Project 30x 0.00031.
gnomAD v4.1: 8 of 1,607,628 alleles (0.0005%); highest among the groups gnomAD compares: Admixed American, 0.0051%; no homozygotes.

Submissions (3):

CeGaT Center for Human Genetics Tuebingen
Classification: Likely benign. Last evaluated: 2026-04-01. Review status: criteria provided, single submitter. Criteria: CeGaT Center For Human Genetics Tuebingen Variant Classification Criteria Version 2. Collection method: clinical testing. Allele origin: germline. Affected: yes. Observed: 1 variant allele.
Comment: SPTAN1: BP4

Labcorp Genetics (formerly Invitae), Labcorp
Classification: Uncertain significance for Early-infantile DEE. Last evaluated: 2024-10-22. Review status: criteria provided, single submitter. Criteria: Invitae Variant Classification Sherloc (09022015). Collection method: clinical testing. Allele origin: germline.
Comment: This sequence change replaces arginine, which is basic and polar, with cysteine, which is neutral and slightly polar, at codon 1054 of the SPTAN1 protein (p.Arg1054Cys). The frequency data for this variant in the population databases is considered unreliable, as metrics indicate poor data quality at this position in the gnomAD database. This variant has not been reported in the literature in individuals affected with SPTAN1-related conditions. ClinVar contains an entry for this variant (Variation ID: 379908). Invitae Evidence Modeling of protein sequence and biophysical properties (such as structural, functional, and spatial information, amino acid conservation, physicochemical variation, residue mobility, and thermodynamic stability) has been performed for this missense variant. However, the output from this modeling did not meet the statistical confidence thresholds required to predict the impact of this variant on SPTAN1 protein function. In summary, the available evidence is currently insufficient to determine the role of this variant in disease. Therefore, it has been classified as a Variant of Uncertain Significance.

GeneDx
Classification: Likely benign. Last evaluated: 2015-12-24. Review status: criteria provided, single submitter. Criteria: GeneDx Variant Classification (06012015). Collection method: clinical testing. Allele origin: germline. Affected: yes.
Comment: This variant is considered likely benign or benign based on one or more of the following criteria: it is a conservative change, it occurs at a poorly conserved position in the protein, it is predicted to be benign by multiple in silico algorithms, and/or has population frequency not consistent with disease.